The following is an entry in ClinVar:

NM_000264.5(PTCH1):c.1492G>A (p.Ala498Thr)

Gene: PTCH1 (patched 1; minus strand). Cytogenetic location: 9q22.32.
Variant type: single nucleotide variant.
Coding change: c.1492G>A on transcript NM_000264.5 (MANE Select); coding-DNA position 1492, G replaced by A.
Protein change: p.Ala498Thr; replaces alanine 498 with threonine.
Molecular consequence: missense variant. On other transcripts: non-coding transcript variant (1), intron variant (1).
Genome position (GRCh38, 1-based): chr9:95,477,558, C>T on the plus strand (G>A on the coding strand, the complement: PTCH1 is on the minus strand). VCF-style: chr9-95477558-C-T. GRCh37 (hg19) VCF-style: chr9-98239840-C-T.
Other names: c.1294G>A, p.Ala432Thr (NM_001083602.3); c.1489G>A, p.Ala497Thr (NM_001083603.3); c.1039G>A, p.Ala347Thr (NM_001083604.3, NM_001083605.3, NM_001083606.3 and 1 more transcripts); c.1347+497G>A (NM_001354918.2); short protein forms A347T, A432T, A497T, A498T.
Identifiers: ClinVar variation 836898 (VCV000836898.11), dbSNP rs1841150573, ClinGen allele CA374118392.
Genomic context (GRCh38, chr9:95,477,558, plus strand): 5'-GCCGGGTGGCATTTGTCAACGGACAGCAGATAAATGGCTCCTTTAGTACCTGAGTTGTTG[C>T]AGCGTTAAAGGAAATTCCGATCAATGAGCACAGGCCCAGTCCTGCAGCCACTGACAGTGC-3'
Protein context (NP_000255.2, residues 488-508): CSLIGISFNA[Ala498Thr]TTQVLPFLAL

ClinVar aggregate classification (germline): Uncertain significance. Review status: criteria provided, multiple submitters, no conflicts (2 of 4 stars). 2 submissions from 2 submitters: Uncertain significance (2). Last evaluated 2025-04-17.

Conditions:
Gorlin syndrome. Also called: Basal cell nevus syndrome; Nevoid Basal Cell Carcinoma Syndrome. Identifiers: Orphanet 377, MedGen C0004779, MONDO:0007187.
Hereditary cancer-predisposing syndrome. Also called: Neoplastic Syndromes, Hereditary; Hereditary neoplastic syndrome; Tumor predisposition; Hereditary Cancer Syndrome. Identifiers: Orphanet 140162, MedGen C0027672, MeSH D009386, MONDO:0015356.

Submissions (2):

Labcorp Genetics (formerly Invitae), Labcorp
Classification: Uncertain significance for Gorlin syndrome. Last evaluated: 2025-04-17. Review status: criteria provided, single submitter. Criteria: Invitae Variant Classification Sherloc (09022015). Collection method: clinical testing. Allele origin: germline.
Comment: This sequence change replaces alanine, which is neutral and non-polar, with threonine, which is neutral and polar, at codon 498 of the PTCH1 protein (p.Ala498Thr). This variant is not present in population databases (gnomAD no frequency). This variant has not been reported in the literature in individuals affected with PTCH1-related conditions. ClinVar contains an entry for this variant (Variation ID: 836898). Invitae Evidence Modeling of protein sequence and biophysical properties (such as structural, functional, and spatial information, amino acid conservation, physicochemical variation, residue mobility, and thermodynamic stability) has been performed for this missense variant. However, the output from this modeling did not meet the statistical confidence thresholds required to predict the impact of this variant on PTCH1 protein function. In summary, the available evidence is currently insufficient to determine the role of this variant in disease. Therefore, it has been classified as a Variant of Uncertain Significance.

Ambry Genetics
Classification: Uncertain significance for Hereditary cancer-predisposing syndrome. Last evaluated: 2024-01-19. Review status: criteria provided, single submitter. Criteria: Ambry Variant Classification Scheme 2023. Collection method: clinical testing. Allele origin: germline.
Comment: The p.A498T variant (also known as c.1492G>A), located in coding exon 10 of the PTCH1 gene, results from a G to A substitution at nucleotide position 1492. The alanine at codon 498 is replaced by threonine, an amino acid with similar properties. This amino acid position is conserved. In addition, this alteration is predicted to be deleterious by in silico analysis. Based on the available evidence, the clinical significance of this alteration remains unclear.